The following is an entry in ClinVar:

NM_001130009.3(GEN1):c.2360G>A (p.Arg787Gln)

Gene: GEN1 (GEN1 structure-specific endonuclease; plus strand). Cytogenetic location: 2p24.2.
Variant type: single nucleotide variant.
Coding change: c.2360G>A on transcript NM_001130009.3 (MANE Select); coding-DNA position 2360, G replaced by A.
Protein change: p.Arg787Gln; replaces arginine 787 with glutamine.
Molecular consequence: missense variant.
Genome position (GRCh38, 1-based): chr2:17,781,572, G>A. VCF-style: chr2-17781572-G-A. GRCh37 (hg19) VCF-style: chr2-17962839-G-A.
Other names: c.2360G>A, p.Arg787Gln (NM_182625.5); c.2360G>A (NM_001130009.1); short protein forms R787Q.
Identifiers: ClinVar variation 953782 (VCV000953782.11), dbSNP rs369584932, ClinGen allele CA1540944.
Genomic context (GRCh38, chr2:17,781,572, plus strand): 5'-ATGTTAGACCACCAAATACTGCTTTAGATCATAGTAGAAAAGTTGATATGCAAACCACTC[G>A]GAAAATTTTAATGAAGAAGAGTGTTTGCCTTGACAGACATTCCTCTGATGAACAAAGTGC-3'
Protein context (NP_001123481.3, residues 777-797): HSRKVDMQTT[Arg787Gln]KILMKKSVCL

ClinVar aggregate classification (germline): Conflicting classifications of pathogenicity. Review status: criteria provided, conflicting classifications (1 of 4 stars). 2 submissions from 2 submitters: Uncertain significance (1); Likely benign (1). Last evaluated 2025-05-12.

Allele frequency attached by ClinVar (database versions not stated): gnomAD exomes 0.00002 and 0.00004; ExAC 0.00005; ESP Exome Variant Server 0.00008; gnomAD 0.00017 and 0.00019; TOPMed 0.00017.
gnomAD v4.1: 53 of 1,613,726 alleles (0.0033%); highest among the groups gnomAD compares: African/African-American, 0.041%; no homozygotes.

Submissions (2):

Labcorp Genetics (formerly Invitae), Labcorp
Classification: Uncertain significance. Last evaluated: 2025-05-12. Review status: criteria provided, single submitter. Criteria: Invitae Variant Classification Sherloc (09022015). Collection method: clinical testing. Allele origin: germline.
Comment: This sequence change replaces arginine, which is basic and polar, with glutamine, which is neutral and polar, at codon 787 of the GEN1 protein (p.Arg787Gln). This variant is present in population databases (rs369584932, gnomAD 0.03%). This variant has not been reported in the literature in individuals affected with GEN1-related conditions. ClinVar contains an entry for this variant (Variation ID: 953782). An algorithm developed to predict the effect of missense changes on protein structure and function outputs the following: PolyPhen-2: "Benign". The glutamine amino acid residue is found in multiple mammalian species, which suggests that this missense change does not adversely affect protein function. In summary, the available evidence is currently insufficient to determine the role of this variant in disease. Therefore, it has been classified as a Variant of Uncertain Significance.

Ambry Genetics
Classification: Likely benign. Last evaluated: 2024-11-18. Review status: criteria provided, single submitter. Criteria: Ambry Variant Classification Scheme 2023. Collection method: clinical testing. Allele origin: germline.